The following is an entry in ClinVar:

NM_001242957.3(MAK):c.1834G>C (p.Gly612Arg)

Gene: MAK (male germ cell associated kinase; minus strand). Cytogenetic location: 6p24.2.
Variant type: single nucleotide variant.
Coding change: c.1834G>C on transcript NM_001242957.3 (MANE Select); coding-DNA position 1834, G replaced by C.
Protein change: p.Gly612Arg; replaces glycine 612 with arginine.
Molecular consequence: missense variant. On other transcripts: non-coding transcript variant (2).
Genome position (GRCh38, 1-based): chr6:10,764,565, C>G on the plus strand (G>C on the coding strand, the complement: MAK is on the minus strand). VCF-style: chr6-10764565-C-G. GRCh37 (hg19) VCF-style: chr6-10764798-C-G.
Other names: c.1639G>C, p.Gly547Arg (NM_001242385.2); c.1537G>C, p.Gly513Arg (NM_001377262.1); c.1759G>C, p.Gly587Arg (NM_005906.6); short protein forms G587R, G612R, G513R, G547R.
Identifiers: ClinVar variation 951611 (VCV000951611.18), dbSNP rs201628941, ClinGen allele CA3633330.

ClinVar aggregate classification (germline): Conflicting classifications of pathogenicity. Review status: criteria provided, conflicting classifications (1 of 4 stars). 5 submissions from 5 submitters: Uncertain significance (1); Likely benign (4). Last evaluated 2026-01-18.

Conditions:
Retinitis pigmentosa 62 (RP62). Identifiers: Orphanet 791, MedGen C3280042, MONDO:0013611, OMIM 614181.

Allele frequency attached by ClinVar (database versions not stated): ESP Exome Variant Server 0.00008; 1000 Genomes Project 30x 0.00016; 1000 Genomes Project 0.00020; gnomAD 0.00023; gnomAD exomes 0.00024 and 0.00037; ExAC 0.00028; TOPMed 0.00036.
gnomAD v4.1: 411 of 1,614,064 alleles (0.025%); highest among the groups gnomAD compares: Middle Eastern, 0.26%; 1 homozygote.

Submissions (5):

Labcorp Genetics (formerly Invitae), Labcorp
Classification: Likely benign. Last evaluated: 2026-01-18. Review status: criteria provided, single submitter. Criteria: Invitae Variant Classification Sherloc (09022015). Collection method: clinical testing. Allele origin: germline.

CeGaT Center for Human Genetics Tuebingen
Classification: Likely benign. Last evaluated: 2026-01-01. Review status: criteria provided, single submitter. Criteria: CeGaT Center For Human Genetics Tuebingen Variant Classification Criteria Version 2. Collection method: clinical testing. Allele origin: germline. Affected: yes. Observed: 1 variant allele.
Comment: MAK: BS2

Blueprint Genetics
Classification: Likely benign. Last evaluated: 2024-10-25. Review status: criteria provided, single submitter. Criteria: ACMG Guidelines, 2015. Collection method: clinical testing. Allele origin: germline.

Revvity Omics, Revvity
Classification: Uncertain significance for Retinitis pigmentosa 62. Last evaluated: 2021-05-24. Review status: criteria provided, single submitter. Criteria: ACMG Guidelines, 2015. Collection method: clinical testing. Allele origin: germline.

Breakthrough Genomics
Classification: Likely benign. Review status: criteria provided, single submitter. Criteria: ACMG Guidelines, 2015. Collection method: not provided. Allele origin: germline. Inheritance: Autosomal recessive inheritance. Affected: yes.